The following is an entry in ClinVar:

ClinVar aggregate classification (germline): Uncertain significance. Review status: criteria provided, multiple submitters, no conflicts (2 of 4 stars). 2 submissions from 2 submitters: Uncertain significance (2). Last evaluated 2025-01-15.

Conditions:
3-methylglutaconic aciduria, type VIIB (MGCA7B). Also called: CLPB Deficiency; 3-methylglutaconic aciduria with cataracts, neurologic involvement and neutropenia; 3-methylglutaconic aciduria, type VII, with cataracts, neurologic involvement and neutropenia. Identifiers: Orphanet 445038, MedGen C5676893, MONDO:0014561, OMIM 616271.

Allele frequency attached by ClinVar (database versions not stated): gnomAD exomes below 0.00001; gnomAD 0.00001; TOPMed 0.00001; ESP Exome Variant Server 0.00008.

Submissions (2):

GeneDx
Classification: Uncertain significance. Last evaluated: 2025-01-15. Review status: criteria provided, single submitter. Criteria: GeneDx Variant Classification Process June 2021. Collection method: clinical testing. Allele origin: germline. Affected: yes.
Comment: Not observed at significant frequency in large population cohorts (gnomAD); In silico analysis indicates that this missense variant does not alter protein structure/function; Has not been previously published as pathogenic or benign to our knowledge

New York Genome Center
Classification: Uncertain significance for 3-methylglutaconic aciduria, type VIIB. Last evaluated: 2021-01-29. Review status: criteria provided, single submitter. Criteria: NYGC Assertion Criteria 2020. Collection method: clinical testing. Allele origin: inherited. Observed: 1 heterozygote. Study: CSER-NYCKidSeq.

NM_001258392.3(CLPB):c.1308C>G (p.Ile436Met)

Genes: CLPB (ClpB family mitochondrial disaggregase; minus strand), LOC126861258 (MED14-independent group 3 enhancer GRCh37_chr11:72012242-72013441; plus strand). Cytogenetic location: 11q13.4.
Variant type: single nucleotide variant.
Coding change: c.1308C>G on transcript NM_001258392.3 (MANE Select); coding-DNA position 1308, C replaced by G.
Protein change: p.Ile436Met; replaces isoleucine 436 with methionine.
Molecular consequence: missense variant.
Genome position (GRCh38, 1-based): chr11:72,301,824, G>C on the plus strand (C>G on the coding strand, the complement: CLPB is on the minus strand). VCF-style: chr11-72301824-G-C. GRCh37 (hg19) VCF-style: chr11-72012868-G-C.
Other names: c.1221C>G, p.Ile407Met (NM_001258393.3); c.1263C>G, p.Ile421Met (NM_001258394.3); c.1398C>G, p.Ile466Met (NM_030813.6); c.1398C>G (NM_030813.5); short protein forms I407M, I421M, I436M, I466M.
Identifiers: ClinVar variation 1341862 (VCV001341862.2), dbSNP rs140355579, ClinGen allele CA224388899.